The following is an entry in ClinVar:

NM_006015.6(ARID1A):c.568G>A (p.Gly190Arg)

Gene: ARID1A (AT-rich interaction domain 1A; plus strand). Cytogenetic location: 1p36.11.
Variant type: single nucleotide variant.
Coding change: c.568G>A on transcript NM_006015.6 (MANE Select); coding-DNA position 568, G replaced by A.
Protein change: p.Gly190Arg; replaces glycine 190 with arginine.
Molecular consequence: missense variant.
Genome position (GRCh38, 1-based): chr1:26,696,971, G>A. VCF-style: chr1-26696971-G-A. GRCh37 (hg19) VCF-style: chr1-27023462-G-A.
Other names: c.568G>A, p.Gly190Arg (NM_139135.4); short protein forms G190R.
Identifiers: ClinVar variation 4690960 (VCV004690960.1).

ClinVar aggregate classification (germline): Uncertain significance (1 of 4 stars; one submission).

gnomAD v4.1: 5 of 1,479,372 alleles (0.00034%); highest among the groups gnomAD compares: Admixed American, 0.011%; no homozygotes.

Submission:

Labcorp Genetics (formerly Invitae), Labcorp
Classification: Uncertain significance. Last evaluated: 2025-12-22. Review status: criteria provided, single submitter. Criteria: Invitae Variant Classification Sherloc (09022015). Collection method: clinical testing. Allele origin: germline.
Comment: This sequence change replaces glycine, which is neutral and non-polar, with arginine, which is basic and polar, at codon 190 of the ARID1A protein (p.Gly190Arg). This variant is not present in population databases (gnomAD no frequency). This variant has not been reported in the literature in individuals affected with ARID1A-related conditions. Invitae Evidence Modeling of protein sequence and biophysical properties (such as structural, functional, and spatial information, amino acid conservation, physicochemical variation, residue mobility, and thermodynamic stability) indicates that this missense variant is not expected to disrupt ARID1A protein function with a negative predictive value of 95%. In summary, the available evidence is currently insufficient to determine the role of this variant in disease. Therefore, it has been classified as a Variant of Uncertain Significance.